The following is an entry in ClinVar:

NM_007294.4(BRCA1):c.1438_1452del (p.Asn480_Gly484del)

Gene: BRCA1 (BRCA1 DNA repair associated; minus strand). Cytogenetic location: 17q21.31.
Variant type: Deletion.
Coding change: c.1438_1452del on transcript NM_007294.4 (MANE Select); coding-DNA positions 1438 to 1452, 15 bases deleted (AATCTAATTATAGGA).
Protein change: p.Asn480_Gly484del.
Molecular consequence: inframe deletion. On other transcripts: inframe indel (2), intron variant (137).
Genome position (GRCh38, 1-based): chr17:43,094,079-43,094,093, TCCTATAATTAGATT deleted on the plus strand (AATCTAATTATAGGA on the coding strand, the reverse complement: BRCA1 is on the minus strand); deleting any 15 consecutive bases within chr17:43,094,079-43,094,094 gives the same sequence; the c. name uses the placement nearest the transcript's 3' end. VCF-style (leftmost placement, unchanged base first): chr17-43094078-CTCCTATAATTAGATT-C. GRCh37 (hg19) VCF-style: chr17-41246095-CTCCTATAATTAGATT-C.
Other names: c.1438_1452delAATCTAATTATAGGA (NM_007294.3); c.1438_1452del15 (NM_007294.3); c.1315_1329del, p.Asn439_Gly443del (NM_001407676.1, NM_001407677.1, NM_001407678.1 and 19 more transcripts); c.1225_1239del, p.Asn409_Gly413del (NM_001407571.1, NM_001407853.1, NM_001407894.1 and 9 more transcripts); c.1438_1452del, p.Asn480_Gly484del (NM_001407581.1, NM_001407582.1, NM_001407583.1 and 30 more transcripts); c.1435_1449del, p.Asn479_Gly483del (NM_001407587.1, NM_001407590.1, NM_001407591.1 and 22 more transcripts); c.1312_1326del, p.Asn438_Gly442del (NM_001407685.1, NM_001407686.1, NM_001407687.1 and 11 more transcripts); c.1297_1311del, p.Asn433_Gly437del (NM_001407692.1, NM_001407694.1, NM_001407695.1 and 29 more transcripts); and 42 more.
Identifiers: ClinVar variation 628272 (VCV000628272.7), dbSNP rs1567799598, ClinGen allele CA913188877.

ClinVar aggregate classification (germline): Uncertain significance. Review status: criteria provided, multiple submitters, no conflicts (2 of 4 stars). 2 submissions from 2 submitters: Uncertain significance (2). Last evaluated 2024-09-17.

Conditions:
Hereditary cancer-predisposing syndrome. Also called: Neoplastic Syndromes, Hereditary; Tumor predisposition; Hereditary neoplastic syndrome; Hereditary Cancer Syndrome. Identifiers: Orphanet 140162, MedGen C0027672, MeSH D009386, MONDO:0015356.

Submissions (2):

Color Diagnostics, LLC DBA Color Health
Classification: Uncertain significance for Hereditary cancer-predisposing syndrome. Last evaluated: 2024-09-17. Review status: criteria provided, single submitter. Criteria: ACMG Guidelines, 2015. Collection method: clinical testing. Allele origin: germline.
Comment: This variant causes an in-frame deletion of five amino acids residues from asparagine 480 to glycine 484 in the BRCA1 protein. The deleted region does not impact known clinically important domains in the BRCA1 protein (PMID: 39142283). To our knowledge, functional studies have not been reported for this variant. This variant has not been reported in individuals affected with BRCA1-related disorders in the literature. This variant has not been identified in the general population by the Genome Aggregation Database (gnomAD). The available evidence is insufficient to determine the role of this variant in disease conclusively. Therefore, this variant is classified as a Variant of Uncertain Significance.

Ambry Genetics
Classification: Uncertain significance for Hereditary cancer-predisposing syndrome. Last evaluated: 2023-05-05. Review status: criteria provided, single submitter. Criteria: Ambry Variant Classification Scheme 2023. Collection method: clinical testing. Allele origin: germline.
Comment: The c.1438_1452del15 variant (also known as p.N480_G484del) is located in coding exon 9 of the BRCA1 gene. This variant results from an in-frame deletion of 15 nucleotides (AATCTAATTATAGGA) at nucleotide positions 1438 to 1452. This results in the in-frame deletion of 5 amino acids (NLIIG) at codon 480 through 484. These amino acid positions are well conserved in available vertebrate species. In addition, this alteration is predicted to be deleterious by in silico analysis (Choi Y et al. PLoS ONE. 2012; 7(10):e46688). Since supporting evidence is limited at this time, the clinical significance of this alteration remains unclear.

Literature cited by the submitters: PubMed 39142283 (cited by Color Diagnostics, LLC DBA Color Health).